The following is an entry in ClinVar:

ClinVar aggregate classification (germline): Uncertain significance (1 of 4 stars; one submission).

Conditions:
Gnathodiaphyseal dysplasia (GDD). Also called: GNATHODIAPHYSEAL SCLEROSIS; OSTEOGENESIS IMPERFECTA WITH UNUSUAL SKELETAL LESIONS. Identifiers: Orphanet 53697, MedGen C1833736, MONDO:0008151, OMIM 166260.
Autosomal recessive limb-girdle muscular dystrophy type 2L (LGMDR12). Also called: Limb-girdle muscular dystrophy, type 2L; MUSCULAR DYSTROPHY, LIMB-GIRDLE, AUTOSOMAL RECESSIVE 12; Limb-Girdle Muscular Dystrophy R12 Anoctamin-5-Related (LGMD-R12). Identifiers: Orphanet 206549, MedGen C1969785, MONDO:0012652, OMIM 611307.

Submission:

Labcorp Genetics (formerly Invitae), Labcorp
Classification: Uncertain significance for Autosomal recessive limb-girdle muscular dystrophy type 2L; Gnathodiaphyseal dysplasia. Last evaluated: 2024-06-12. Review status: criteria provided, single submitter. Criteria: Invitae Variant Classification Sherloc (09022015). Collection method: clinical testing. Allele origin: germline.
Comment: This sequence change replaces methionine, which is neutral and non-polar, with lysine, which is basic and polar, at codon 450 of the ANO5 protein (p.Met450Lys). This variant is not present in population databases (gnomAD no frequency). This variant has not been reported in the literature in individuals affected with ANO5-related conditions. Advanced modeling of protein sequence and biophysical properties (such as structural, functional, and spatial information, amino acid conservation, physicochemical variation, residue mobility, and thermodynamic stability) has been performed at Invitae for this missense variant, however the output from this modeling did not meet the statistical confidence thresholds required to predict the impact of this variant on ANO5 protein function. In summary, the available evidence is currently insufficient to determine the role of this variant in disease. Therefore, it has been classified as a Variant of Uncertain Significance.

NM_213599.3(ANO5):c.1349T>A (p.Met450Lys)

Gene: ANO5 (anoctamin 5; plus strand). Cytogenetic location: 11p14.3.
Variant type: single nucleotide variant.
Coding change: c.1349T>A on transcript NM_213599.3 (MANE Select); coding-DNA position 1349, T replaced by A.
Protein change: p.Met450Lys; replaces methionine 450 with lysine.
Molecular consequence: missense variant.
Genome position (GRCh38, 1-based): chr11:22,257,696, T>A. VCF-style: chr11-22257696-T-A. GRCh37 (hg19) VCF-style: chr11-22279242-T-A.
Other names: c.1346T>A, p.Met449Lys (NM_001142649.2); c.1307T>A, p.Met436Lys (NM_001410963.1); c.1304T>A, p.Met435Lys (NM_001410964.1); short protein forms M435K, M436K, M449K, M450K.
Identifiers: ClinVar variation 3753732 (VCV003753732.2).